The following is an entry in ClinVar:

ClinVar aggregate classification (germline): Likely pathogenic (1 of 4 stars; one submission).

Submission:

Dasa
Classification: Likely pathogenic. Last evaluated: 2025-06-23. Review status: criteria provided, single submitter. Criteria: DASA Assertion Criteria. Collection method: clinical testing. Allele origin: germline.
Comment: NM_000383.4(AIRE):c.1626dup (p.Phe543Leufs*14) is a frameshift variant in AIRE predicted to alter the reading frame and introduce a premature termination codon and is predicted to result in an absent or altered protein product. Loss of function is an established disease mechanism for AIRE-associated disorders. Also, this variant is absent from population databases. Based on the currently available evidence, this variant is classified as likely pathogenic.

NM_000383.4(AIRE):c.1626dup (p.Phe543fs)

Gene: AIRE (autoimmune regulator; plus strand). Cytogenetic location: 21q22.3.
Variant type: Duplication.
Coding change: c.1626dup on transcript NM_000383.4 (MANE Select); coding-DNA position 1626, one base duplicated (C; older notation c.1626dupC).
Protein change: p.Phe543fs; shifts the reading frame from phenylalanine 543.
Molecular consequence: frameshift variant.
Genome position (GRCh38, 1-based): chr21:44,297,715, C duplicated; the last of 5 consecutive C bases (chr21:44,297,711-44,297,715); duplicating any one gives the same sequence. VCF-style (leftmost placement, unchanged base first): chr21-44297710-G-GC. GRCh37 (hg19) VCF-style: chr21-45717593-G-GC.
Other names: short protein forms F543fs.
Identifiers: ClinVar variation 4856838 (VCV004856838.2).